The following is an entry in ClinVar:

ClinVar aggregate classification (germline): Uncertain significance (1 of 4 stars; one submission).

Allele frequency attached by ClinVar (database versions not stated): gnomAD 0.00001; gnomAD exomes below 0.00001; TOPMed below 0.00001.
gnomAD v4.1: 6 of 1,613,866 alleles (0.00037%); highest among the groups gnomAD compares: Non-Finnish European, 0.00042%; no homozygotes.

Submission:

Labcorp Genetics (formerly Invitae), Labcorp
Classification: Uncertain significance. Last evaluated: 2022-06-12. Review status: criteria provided, single submitter. Criteria: Invitae Variant Classification Sherloc (09022015). Collection method: clinical testing. Allele origin: germline.
Comment: In summary, the available evidence is currently insufficient to determine the role of this variant in disease. Therefore, it has been classified as a Variant of Uncertain Significance. Algorithms developed to predict the effect of missense changes on protein structure and function (SIFT, PolyPhen-2, Align-GVGD) all suggest that this variant is likely to be tolerated. This variant has not been reported in the literature in individuals affected with ZNF687-related conditions. This variant is not present in population databases (gnomAD no frequency). This sequence change replaces aspartic acid, which is acidic and polar, with asparagine, which is neutral and polar, at codon 1174 of the ZNF687 protein (p.Asp1174Asn).

NM_020832.3(ZNF687):c.3520G>A (p.Asp1174Asn)

Gene: ZNF687 (zinc finger protein 687; plus strand). Cytogenetic location: 1q21.3.
Variant type: single nucleotide variant.
Coding change: c.3520G>A on transcript NM_020832.3 (MANE Select); coding-DNA position 3520, G replaced by A.
Protein change: p.Asp1174Asn; replaces aspartic acid 1174 with asparagine.
Molecular consequence: missense variant.
Genome position (GRCh38, 1-based): chr1:151,291,015, G>A. VCF-style: chr1-151291015-G-A. GRCh37 (hg19) VCF-style: chr1-151263491-G-A.
Other names: c.3520G>A, p.Asp1174Asn (NM_001304763.2, NM_001304764.2); short protein forms D1174N.
Identifiers: ClinVar variation 1928916 (VCV001928916.5), dbSNP rs879875471, ClinGen allele CA29525043.
Genomic context (GRCh38, chr1:151,291,015, plus strand): 5'-CGTTTCATCAGCCACAAGAAGAGACGGGGTGTGGGTAAAGCCAGTGCCCTGGGGCTGGGG[G>A]ATGGGGAGGAAGAGGCCCCTCCATCAAGGTCTGACCCCGATGGTGGAGACTCACCCCTGC-3'
Protein context (NP_065883.1, residues 1164-1184): VGKASALGLG[Asp1174Asn]GEEEAPPSRS